The following is an entry in ClinVar:

ClinVar aggregate classification (germline): Pathogenic. Review status: criteria provided, multiple submitters, no conflicts (2 of 4 stars). 2 submissions from 2 submitters: Pathogenic (2). Last evaluated 2025-04-01.

Conditions:
Hereditary cancer-predisposing syndrome. Also called: Hereditary Cancer Syndrome; Neoplastic Syndromes, Hereditary; Tumor predisposition; Hereditary neoplastic syndrome. Identifiers: Orphanet 140162, MedGen C0027672, MeSH D009386, MONDO:0015356.
Hereditary breast ovarian cancer syndrome. Also called: Hereditary breast and ovarian cancer syndrome; Hereditary breast and ovarian cancer; Hereditary breast and ovarian cancer syndrome (HBOC); Breast and ovarian cancer; Hereditary breast and/or ovarian cancer syndrome; BRCA1- and BRCA2-Associated Hereditary Breast and Ovarian Cancer. Identifiers: Orphanet 145, MedGen C0677776, MeSH D061325, MONDO:0003582. Disease mechanism: loss of function.

Submissions (2):

Labcorp Genetics (formerly Invitae), Labcorp
Classification: Pathogenic for Hereditary breast ovarian cancer syndrome. Last evaluated: 2025-04-01. Review status: criteria provided, single submitter. Criteria: Invitae Variant Classification Sherloc (09022015). Collection method: clinical testing. Allele origin: germline.
Comment: This sequence change creates a premature translational stop signal (p.Lys830*) in the BRCA1 gene. It is expected to result in an absent or disrupted protein product. Loss-of-function variants in BRCA1 are known to be pathogenic (PMID: 20104584). This variant is not present in population databases (gnomAD no frequency). This variant has not been reported in the literature in individuals affected with BRCA1-related conditions. ClinVar contains an entry for this variant (Variation ID: 481451). For these reasons, this variant has been classified as Pathogenic.

Ambry Genetics
Classification: Pathogenic for Hereditary cancer-predisposing syndrome. Last evaluated: 2024-01-18. Review status: criteria provided, single submitter. Criteria: Ambry Variant Classification Scheme 2023. Collection method: clinical testing. Allele origin: germline.
Comment: The p.K830* pathogenic mutation (also known as c.2488A>T), located in coding exon 9 of the BRCA1 gene, results from an A to T substitution at nucleotide position 2488. This changes the amino acid from a lysine to a stop codon within coding exon 9. This variant is considered to be rare based on population cohorts in the Genome Aggregation Database (gnomAD). This alteration is expected to result in loss of function by premature protein truncation or nonsense-mediated mRNA decay. As such, this alteration is interpreted as a disease-causing mutation.

Literature cited by the submitters: PubMed 20104584 (cited by Labcorp Genetics (formerly Invitae), Labcorp); PubMed 31209999 (cited by Ambry Genetics).

NM_007294.4(BRCA1):c.2488A>T (p.Lys830Ter)

Gene: BRCA1 (BRCA1 DNA repair associated; minus strand). Cytogenetic location: 17q21.31.
Variant type: single nucleotide variant.
Coding change: c.2488A>T on transcript NM_007294.4 (MANE Select); coding-DNA position 2488, A replaced by T.
Protein change: p.Lys830Ter; replaces lysine 830 with a stop codon.
Molecular consequence: nonsense. On other transcripts: intron variant (137).
Genome position (GRCh38, 1-based): chr17:43,093,043, T>A on the plus strand (A>T on the coding strand, the complement: BRCA1 is on the minus strand). VCF-style: chr17-43093043-T-A. GRCh37 (hg19) VCF-style: chr17-41245060-T-A.
Other names: c.2275A>T, p.Lys759Ter (NM_001407571.1, NM_001407853.1, NM_001407894.1 and 9 more transcripts); c.2488A>T, p.Lys830Ter (NM_001407581.1, NM_001407582.1, NM_001407583.1 and 30 more transcripts); c.2485A>T, p.Lys829Ter (NM_001407587.1, NM_001407590.1, NM_001407591.1 and 22 more transcripts); c.2479A>T, p.Lys827Ter (NM_001407646.1, NM_001407647.1); c.2365A>T, p.Lys789Ter (NM_001407648.1, NM_001407664.1, NM_001407665.1 and 19 more transcripts); c.2362A>T, p.Lys788Ter (NM_001407649.1, NM_001407670.1, NM_001407671.1 and 11 more transcripts); c.2410A>T, p.Lys804Ter (NM_001407653.1, NM_001407654.1, NM_001407655.1 and 4 more transcripts); c.2407A>T, p.Lys803Ter (NM_001407659.1, NM_001407660.1, NM_001407661.1 and 1 more transcripts); and 41 more; short protein forms K830*, K783*, K702*, K703*, K763*, K788*, K804*, K534*.
Identifiers: ClinVar variation 481451 (VCV000481451.14), dbSNP rs1555589569, ClinGen allele CA10597024.